The following is an entry in ClinVar:

ClinVar aggregate classification (germline): Pathogenic (1 of 4 stars; one submission).

Conditions:
Familial adenomatous polyposis 1 (FAP1). Also called: FAMILIAL ADENOMATOUS POLYPOSIS 1, ATTENUATED; POLYPOSIS, ADENOMATOUS INTESTINAL. Identifiers: MedGen C2713442, MONDO:0021056, OMIM 175100. Disease mechanism: loss of function.

Submission:

Labcorp Genetics (formerly Invitae), Labcorp
Classification: Pathogenic for Familial adenomatous polyposis 1. Last evaluated: 2025-12-14. Review status: criteria provided, single submitter. Criteria: Invitae Variant Classification Sherloc (09022015). Collection method: clinical testing. Allele origin: germline.
Comment: This sequence change creates a premature translational stop signal (p.Asn1124Metfs*2) in the APC gene. While this is not anticipated to result in nonsense mediated decay, it is expected to disrupt the last 1720 amino acid(s) of the APC protein. This variant is not present in population databases (gnomAD no frequency). This premature translational stop signal has been observed in individual(s) with familial adenomatous polyposis (PMID: 14729851). ClinVar contains an entry for this variant (Variation ID: 3720641). This variant disrupts a region of the APC protein in which other variant(s) (p.Tyr2645Lysfs*14) have been determined to be pathogenic (PMID: 1316610, 8381579, 9824584, 22135120, 27081525). This suggests that this is a clinically significant region of the protein, and that variants that disrupt it are likely to be disease-causing. For these reasons, this variant has been classified as Pathogenic.

Literature cited by the submitters: PubMed 14729851; PubMed 1316610; PubMed 8381579; PubMed 9824584; PubMed 22135120; PubMed 27081525.

NM_000038.6(APC):c.3371del (p.Asn1124fs)

Gene: APC (APC regulator of Wnt signaling pathway; plus strand). Cytogenetic location: 5q22.2.
Variant type: Deletion.
Coding change: c.3371del on transcript NM_000038.6 (MANE Select); coding-DNA position 3371, one base deleted (A; older notation c.3371delA).
Protein change: p.Asn1124fs; shifts the reading frame from asparagine 1124.
Molecular consequence: frameshift variant. On other transcripts: non-coding transcript variant (2).
Genome position (GRCh38, 1-based): chr5:112,838,965, A deleted; the last of 4 consecutive A bases (chr5:112,838,962-112,838,965); deleting any one gives the same sequence. VCF-style (leftmost placement, unchanged base first): chr5-112838961-CA-C. GRCh37 (hg19) VCF-style: chr5-112174658-CA-C.
Other names: c.3371del, p.Asn1124fs (NM_001127510.3, NM_001354895.2, NM_001407450.1); c.3317del, p.Asn1106fs (NM_001127511.3); c.3425del, p.Asn1142fs (NM_001354896.2, NM_001407447.1, NM_001407448.1 and 1 more transcripts); c.3401del, p.Asn1134fs (NM_001354897.2); c.3296del, p.Asn1099fs (NM_001354898.2); c.3287del, p.Asn1096fs (NM_001354899.2); c.3248del, p.Asn1083fs (NM_001354900.2); c.3194del, p.Asn1065fs (NM_001354901.2, NM_001407453.1); and 11 more; short protein forms N1041fs, N1099fs, N1114fs, N740fs, N964fs, N1106fs, N1124fs, N1142fs.
Identifiers: ClinVar variation 3720641 (VCV003720641.2).